The following is an entry in ClinVar:

NM_002087.4(GRN):c.1406del (p.Leu469fs)

Gene: GRN (granulin precursor; plus strand). Cytogenetic location: 17q21.31.
Variant type: Deletion.
Coding change: c.1406del on transcript NM_002087.4 (MANE Select); coding-DNA position 1406, one base deleted (T; older notation c.1406delT).
Protein change: p.Leu469fs; shifts the reading frame from leucine 469.
Molecular consequence: frameshift variant.
Genome position (GRCh38, 1-based): chr17:44,352,241, T deleted; the last of 2 consecutive T bases (chr17:44,352,240-44,352,241); deleting either gives the same sequence. VCF-style (leftmost placement, unchanged base first): chr17-44352239-GT-G. GRCh37 (hg19) VCF-style: chr17-42429607-GT-G.
Other names: c.1406delT (NM_002087.4); short protein forms L469fs.
Identifiers: ClinVar variation 4845849 (VCV004845849.1).

ClinVar aggregate classification (germline): Likely pathogenic (1 of 4 stars; one submission).

Conditions:
Neuronal ceroid lipofuscinosis 11. Also called: GRN-Related Neuronal Ceroid-Lipofuscinosis. Identifiers: Orphanet 314629, Orphanet 79262, MedGen C3539123, MONDO:0013866, OMIM 614706.
GRN-related frontotemporal lobar degeneration with Tdp43 inclusions (FTD2). Also called: DEMENTIA, HEREDITARY DYSPHASIC DISINHIBITION; FRONTOTEMPORAL LOBAR DEGENERATION WITH UBIQUITIN-POSITIVE INCLUSIONS; FTLD-TDP, GRN-RELATED; GRN Frontotemporal Dementia; FRONTOTEMPORAL DEMENTIA WITH TDP43 INCLUSIONS, GRN-RELATED. Identifiers: Orphanet 100070, Orphanet 282, MedGen C1843792, MONDO:0011842, OMIM 607485. Disease mechanism: loss of function.

Submission:

First Genomix Gene Laboratory, Genetic Diagnostics Department
Classification: Likely pathogenic for GRN-related frontotemporal lobar degeneration with Tdp43 inclusions; Neuronal ceroid lipofuscinosis 11. Last evaluated: 2025-03-28. Review status: criteria provided, single submitter. Criteria: ACMG Guidelines, 2015. Collection method: clinical testing. Allele origin: germline. Inheritance: Autosomal recessive inheritance. Affected: no. Observed: 1 variant allele.